The following is an entry in ClinVar:

ClinVar aggregate classification (germline): Likely benign (0 of 4 stars; one submission).

Conditions:
XRCC3-related disorder. Also called: XRCC3-related condition.

Allele frequency attached by ClinVar (database versions not stated): gnomAD exomes 0.00004; ESP Exome Variant Server 0.00008; ExAC 0.00013; 1000 Genomes Project 30x 0.00016; gnomAD 0.00019; TOPMed 0.00023.
gnomAD v4.1: 85 of 1,554,762 alleles (0.0055%); highest among the groups gnomAD compares: African/African-American, 0.056%; no homozygotes.

Submission:

PreventionGenetics, part of Exact Sciences
Classification: Likely benign for XRCC3-related condition. Last evaluated: 2019-06-20. Review status: no assertion criteria provided. Collection method: clinical testing. Allele origin: germline.
Comment: This variant is classified as likely benign based on ACMG/AMP sequence variant interpretation guidelines (Richards et al. 2015 PMID: 25741868, with internal and published modifications).

NM_005432.4(XRCC3):c.432C>T (p.Asp144=)

Gene: XRCC3 (X-ray repair cross complementing 3; minus strand). Cytogenetic location: 14q32.33.
Variant type: single nucleotide variant.
Coding change: c.432C>T on transcript NM_005432.4 (MANE Select); coding-DNA position 432, C replaced by T.
Protein change: p.Asp144=; no amino-acid change (aspartic acid 144 retained).
Molecular consequence: synonymous variant.
Genome position (GRCh38, 1-based): chr14:103,703,302, G>A on the plus strand (C>T on the coding strand, the complement: XRCC3 is on the minus strand). VCF-style: chr14-103703302-G-A. GRCh37 (hg19) VCF-style: chr14-104169639-G-A.
Other names: c.432C>T, p.Asp144= (NM_001100118.2, NM_001100119.2, NM_001371229.1 and 2 more transcripts).
Identifiers: ClinVar variation 3042681 (VCV003042681.2), dbSNP rs374168537, ClinGen allele CA7366541.